The following is an entry in ClinVar:

ClinVar aggregate classification (germline): Uncertain significance (1 of 4 stars; one submission).

Conditions:
Ullrich congenital muscular dystrophy 2 (UCMD2). Identifiers: Orphanet 75840, MedGen C4225314, MONDO:0014654, OMIM 616470.
Bethlem myopathy 2 (BTHLM2). Identifiers: Orphanet 536516, Orphanet 610, MedGen C4225313, MONDO:0034022, OMIM 616471.

gnomAD v4.1: 2 of 1,613,768 alleles (0.00012%); highest among the groups gnomAD compares: Non-Finnish European, 0.00017%; no homozygotes.

Submission:

Labcorp Genetics (formerly Invitae), Labcorp
Classification: Uncertain significance for Bethlem myopathy 2; Ullrich congenital muscular dystrophy 2. Last evaluated: 2021-03-22. Review status: criteria provided, single submitter. Criteria: Invitae Variant Classification Sherloc (09022015). Collection method: clinical testing. Allele origin: germline.
Comment: This sequence change replaces alanine with threonine at codon 342 of the COL12A1 protein (p.Ala342Thr). The alanine residue is moderately conserved and there is a small physicochemical difference between alanine and threonine. In summary, the available evidence is currently insufficient to determine the role of this variant in disease. Therefore, it has been classified as a Variant of Uncertain Significance. Algorithms developed to predict the effect of missense changes on protein structure and function (SIFT, PolyPhen-2, Align-GVGD) all suggest that this variant is likely to be tolerated, but these predictions have not been confirmed by published functional studies and their clinical significance is uncertain. This variant has not been reported in the literature in individuals with COL12A1-related conditions. This variant is not present in population databases (ExAC no frequency).

NM_004370.6(COL12A1):c.1024G>A (p.Ala342Thr)

Gene: COL12A1 (collagen type XII alpha 1 chain; minus strand). Cytogenetic location: 6q13.
Variant type: single nucleotide variant.
Coding change: c.1024G>A on transcript NM_004370.6 (MANE Select); coding-DNA position 1024, G replaced by A.
Protein change: p.Ala342Thr; replaces alanine 342 with threonine.
Molecular consequence: missense variant. On other transcripts: intron variant (1).
Genome position (GRCh38, 1-based): chr6:75,184,118, C>T on the plus strand (G>A on the coding strand, the complement: COL12A1 is on the minus strand). VCF-style: chr6-75184118-C-T. GRCh37 (hg19) VCF-style: chr6-75893834-C-T.
Other names: c.73+18602G>A (NM_080645.3); short protein forms A342T.
Identifiers: ClinVar variation 1518348 (VCV001518348.8), dbSNP rs2149467566, ClinGen allele CA364774235.
Genomic context (GRCh38, chr6:75,184,118, plus strand): 5'-TCACTGGACTAGGAGATGGATTCCAATTTAGCTTAACATATTTTGAAGAGACTTCCATGG[C>T]AATCAAATTTGAAGGAGGCTCAACAACTAAAAAGTTACAAGCAGACAGTGATTAATAACA-3'
Protein context (NP_004361.3, residues 332-352): EVVEPPSNLI[Ala342Thr]MEVSSKYVKL